The following is an entry in ClinVar:

ClinVar aggregate classification (germline): Uncertain significance (1 of 4 stars; one submission).

Conditions:
Cognitive impairment - coarse facies - heart defects - obesity - pulmonary involvement - short stature - skeletal dysplasia syndrome. Also called: COGNITIVE IMPAIRMENT, COARSE FACIES, HEART DEFECTS, OBESITY, PULMONARY INVOLVEMENT, SHORT STATURE, AND SKELETAL DYSPLASIA; Chops syndrome; AFF4-Related CHOPS Syndrome. Identifiers: Orphanet 444077, MedGen C4085597, MONDO:0014609, OMIM 616368.

Submission:

Department of Paediatric Medicine, Post Graduation Institute of Medical Education and Research
Classification: Uncertain significance for Cognitive impairment - coarse facies - heart defects - obesity - pulmonary involvement - short stature - skeletal dysplasia syndrome. Last evaluated: 2021-06-09. Review status: criteria provided, single submitter. Criteria: ACMG Guidelines, 2015. Collection method: curation. Allele origin: germline. Affected: yes. Observed: 1 variant allele.
Comment: Not reported in ClinVar, LOVD databases. Allele frequency of 0.00002388 in the gnomAD

NM_014423.4(AFF4):c.2023_2025del (p.Pro675del)

Gene: AFF4 (ALF transcription elongation factor 4; minus strand). Cytogenetic location: 5q31.1.
Variant type: Deletion.
Coding change: c.2023_2025del on transcript NM_014423.4 (MANE Select); coding-DNA positions 2023 to 2025, 3 bases deleted (CCT; older notation c.2023_2025delCCT).
Protein change: p.Pro675del; deletes proline 675.
Molecular consequence: inframe deletion.
Genome position (GRCh38, 1-based): chr5:132,896,605-132,896,607, AGG deleted on the plus strand (CCT on the coding strand, the reverse complement: AFF4 is on the minus strand); deleting any 3 consecutive bases within chr5:132,896,605-132,896,609 gives the same sequence; the c. name uses the placement nearest the transcript's 3' end. VCF-style (leftmost placement, unchanged base first): chr5-132896604-CAGG-C. GRCh37 (hg19) VCF-style: chr5-132232296-CAGG-C.
Other names: short protein forms P675del.
Identifiers: ClinVar variation 1172513 (VCV001172513.2), dbSNP rs775664387, ClinGen allele CA3409010.
Genomic context (GRCh38, chr5:132,896,604, plus strand): 5'-TAGGAGAGAACATTCGTTGCCGAAAAAAGCTATCTTCTTCCTCCACTGAGGAGGGTTTAA[CAGG>C]AGTCCTATTGCTCTCGGGGTACTTAGGAGTTTGTGAGGAAGGAGGAAGGCTCTCACTTTC-3'